The following is an entry in ClinVar:

NM_001451.3(FOXF1):c.229T>C (p.Phe77Leu)

Gene: FOXF1 (forkhead box F1; plus strand). Cytogenetic location: 16q24.1.
Variant type: single nucleotide variant.
Coding change: c.229T>C on transcript NM_001451.3 (MANE Select); coding-DNA position 229, T replaced by C.
Protein change: p.Phe77Leu; replaces phenylalanine 77 with leucine.
Molecular consequence: missense variant.
Genome position (GRCh38, 1-based): chr16:86,510,798, T>C. VCF-style: chr16-86510798-T-C. GRCh37 (hg19) VCF-style: chr16-86544404-T-C.
Other names: short protein forms F77L.
Identifiers: ClinVar variation 3256575 (VCV003256575.1).

ClinVar aggregate classification (germline): Pathogenic (1 of 4 stars; one submission).

Conditions:
Alveolar capillary dysplasia with pulmonary venous misalignment. Also called: Alveolar capillary dysplasia with misalignment of pulmonary veins; ALVEOLAR CAPILLARY DYSPLASIA WITH MISALIGNMENT OF PULMONARY VEINS AND OTHER CONGENITAL ANOMALIES; Congenital alveolar capillary dysplasia. Identifiers: Orphanet 210122, MedGen C2960310, MONDO:0009934, OMIM 265380.

Submission:

Laboratory of Medical Genetics, National & Kapodistrian University of Athens
Classification: Pathogenic for Alveolar capillary dysplasia with pulmonary venous misalignment. Last evaluated: 2023-11-21. Review status: criteria provided, single submitter. Criteria: ACMG Guidelines, 2015. Collection method: clinical testing. Allele origin: germline. Affected: yes.
Comment: PS1, PS4, PM1, PM2, PP3, PP5 - Same amino acid change as a known pathogenic variant. Low frequency in gnomAD population databases. In silico prediction tools estimated that the variant could be damaging for the protein function/stracture. This variant has been previously reported as causative for Alveolar capillary dysplasia with misalignment of pulmonary veins. (PMID:30058937).